The following is an entry in ClinVar:

ClinVar aggregate classification (germline): Pathogenic (1 of 4 stars; one submission).

Conditions:
Spermatogenic failure 18. Identifiers: MedGen C4539783, MONDO:0054615, OMIM 617576.
Ciliary dyskinesia, primary, 37 (CILD37). Also called: CILIARY DYSKINESIA, PRIMARY, 37, WITH OR WITHOUT SITUS INVERSUS. Identifiers: MedGen C4539798, MONDO:0033204, OMIM 617577.

Submission:

Labcorp Genetics (formerly Invitae), Labcorp
Classification: Pathogenic for Ciliary dyskinesia, primary, 37; Spermatogenic failure 18. Last evaluated: 2025-12-19. Review status: criteria provided, single submitter. Criteria: Invitae Variant Classification Sherloc (09022015). Collection method: clinical testing. Allele origin: germline.
Comment: This sequence change creates a premature translational stop signal (p.Ser2663Trpfs*2) in the DNAH1 gene. It is expected to result in an absent or disrupted protein product. Loss-of-function variants in DNAH1 are known to be pathogenic (PMID: 27573432, 27798045). This variant is present in population databases (rs748490618, gnomAD 0.002%). This variant has not been reported in the literature in individuals affected with DNAH1-related conditions. For these reasons, this variant has been classified as Pathogenic.

Literature cited by the submitters: PubMed 27573432; PubMed 27798045.

NM_015512.5(DNAH1):c.7988_7989del (p.Ser2663fs)

Gene: DNAH1 (dynein axonemal heavy chain 1; plus strand). Cytogenetic location: 3p21.1.
Variant type: Microsatellite.
Coding change: c.7988_7989del on transcript NM_015512.5 (MANE Select); coding-DNA positions 7988 to 7989, 2 bases deleted (CT; older notation c.7988_7989delCT).
Protein change: p.Ser2663fs; shifts the reading frame from serine 2663.
Molecular consequence: frameshift variant.
Genome position (GRCh38, 1-based): chr3:52,383,432-52,383,433, CT deleted; deleting any 2 consecutive bases within chr3:52,383,430-52,383,433 gives the same sequence; the c. name uses the placement nearest the transcript's 3' end. VCF-style (leftmost placement, unchanged base first): chr3-52383429-ACT-A. GRCh37 (hg19) VCF-style: chr3-52417445-ACT-A.
Other names: short protein forms S2663fs.
Identifiers: ClinVar variation 4783231 (VCV004783231.1).